The following is an entry in ClinVar:

NM_001142800.2(EYS):c.2641+2T>C

Gene: EYS (EGF-like photoreceptor maintenance factor; minus strand). Cytogenetic location: 6q12.
Variant type: single nucleotide variant.
Coding change: c.2641+2T>C on transcript NM_001142800.2 (MANE Select); the canonical splice donor site of the intron after coding-DNA position 2641, T replaced by C.
Molecular consequence: splice donor variant.
Genome position (GRCh38, 1-based): chr6:64,912,482, A>G on the plus strand (T>C on the coding strand, the complement: EYS is on the minus strand). VCF-style: chr6-64912482-A-G. GRCh37 (hg19) VCF-style: chr6-65622375-A-G.
Other names: c.2641+2T>C (NM_001292009.2).
Identifiers: ClinVar variation 1065997 (VCV001065997.8), dbSNP rs960578029, ClinGen allele CA140380267.
Genomic context (GRCh38, chr6:64,912,482, plus strand): 5'-AATAAATACACAAACTAATTAAGTAATTATTTAAAAACAATAAAATCCATATTAGCTCTT[A>G]CCTTCTCTACAAATACAATGCTGATTTGCGTCTACCAAAGCTAAGCATGTTGAGTTGTTT-3'

ClinVar aggregate classification (germline): Pathogenic. Review status: criteria provided, single submitter (1 of 4 stars). 2 submissions from 2 submitters: Pathogenic (1). 1 of the submissions does not count toward it. Last evaluated 2024-02-24.

Conditions:
Retinitis pigmentosa 25 (RP25). Identifiers: Orphanet 791, MedGen C1864446, MONDO:0011272, OMIM 602772.

Allele frequency attached by ClinVar (database versions not stated): gnomAD exomes 0.00001; TOPMed 0.00001.
gnomAD v4.1: 7 of 1,550,362 alleles (0.00045%); highest among the groups gnomAD compares: Non-Finnish European, 0.00061%; no homozygotes.

Submissions (2):

Labcorp Genetics (formerly Invitae), Labcorp
Classification: Pathogenic. Last evaluated: 2024-02-24. Review status: criteria provided, single submitter. Criteria: Invitae Variant Classification Sherloc (09022015). Collection method: clinical testing. Allele origin: germline.
Comment: This sequence change affects a donor splice site in intron 16 of the EYS gene. It is expected to disrupt RNA splicing. Variants that disrupt the donor or acceptor splice site typically lead to a loss of protein function (PMID: 16199547), and loss-of-function variants in EYS are known to be pathogenic (PMID: 18836446, 20333770). This variant is present in population databases (no rsID available, gnomAD 0.002%). Disruption of this splice site has been observed in individuals with clinical features of retinitis pigmentosa (Invitae). ClinVar contains an entry for this variant (Variation ID: 1065997). Algorithms developed to predict the effect of sequence changes on RNA splicing suggest that this variant may disrupt the consensus splice site. For these reasons, this variant has been classified as Pathogenic.

Natera, Inc.
Classification: Likely pathogenic for Retinitis pigmentosa type 25. Last evaluated: 2021-06-25. Review status: no assertion criteria provided. Collection method: clinical testing. Allele origin: germline. Not counted in ClinVar's aggregate classification.

Literature cited by the submitters: PubMed 16199547 (cited by Labcorp Genetics (formerly Invitae), Labcorp); PubMed 18836446 (cited by Labcorp Genetics (formerly Invitae), Labcorp); PubMed 20333770 (cited by Labcorp Genetics (formerly Invitae), Labcorp).